The following is an entry in ClinVar:

ClinVar aggregate classification (germline): Uncertain significance (1 of 4 stars; one submission).

Conditions:
Hereditary cancer-predisposing syndrome. Also called: Hereditary Cancer Syndrome; Hereditary neoplastic syndrome; Tumor predisposition; Neoplastic Syndromes, Hereditary. Identifiers: Orphanet 140162, MedGen C0027672, MeSH D009386, MONDO:0015356.
Cardiovascular phenotype. Identifiers: MedGen CN230736.

gnomAD v4.1: 1 of 1,596,478 alleles (0.000063%); no homozygotes.

Submission:

Ambry Genetics
Classification: Uncertain significance for Cardiovascular phenotype; Hereditary cancer-predisposing syndrome. Last evaluated: 2024-08-17. Review status: criteria provided, single submitter. Criteria: Ambry Variant Classification Scheme 2023. Collection method: clinical testing. Allele origin: germline.
Comment: The p.A501S variant (also known as c.1501G>T), located in coding exon 14 of the LZTR1 gene, results from a G to T substitution at nucleotide position 1501. The alanine at codon 501 is replaced by serine, an amino acid with similar properties. This amino acid position is conserved. In addition, this alteration is predicted to be tolerated by in silico analysis. Based on the available evidence, the clinical significance of this variant remains unclear.

NM_006767.4(LZTR1):c.1501G>T (p.Ala501Ser)

Gene: LZTR1 (leucine zipper like post translational regulator 1; plus strand). Cytogenetic location: 22q11.21.
Variant type: single nucleotide variant.
Coding change: c.1501G>T on transcript NM_006767.4 (MANE Select); coding-DNA position 1501, G replaced by T.
Protein change: p.Ala501Ser; replaces alanine 501 with serine.
Molecular consequence: missense variant.
Genome position (GRCh38, 1-based): chr22:20,994,155, G>T. VCF-style: chr22-20994155-G-T. GRCh37 (hg19) VCF-style: chr22-21348444-G-T.
Other names: short protein forms A501S.
Identifiers: ClinVar variation 3541606 (VCV003541606.1).